The following is an entry in ClinVar:

NC_000006.12:g.135105435A>G

Variant type: single nucleotide variant.
Genome position: GRCh38 VCF-style: chr6-135105435-A-G. GRCh37 (hg19) VCF-style: chr6-135426573-A-G.
Identifiers: ClinVar variation 132871 (VCV000132871.5), dbSNP rs4895441, ClinGen allele CA249798.

ClinVar aggregate classification (germline): Benign. Review status: criteria provided, multiple submitters, no conflicts (2 of 4 stars). 2 submissions from 2 submitters: Benign (2). Last evaluated 2020-10-28.

Submissions (2):

H3Africa Consortium
Classification: Benign. Last evaluated: 2020-10-28. Review status: criteria provided, single submitter. Criteria: Choudhury A et al. (Nature 2020). Collection method: research. Allele origin: germline. Study: H3Africa.
Comment: While the frequency of the alternate allele in gnoMAD v2.0.2 is 0.083, its frequency in African populations is >5%. This suggests that previous classifications of this variant as pathogenic are in error.

Genomic Research Center, Shahid Beheshti University of Medical Sciences
Classification: Benign. Last evaluated: 2020-05-03. Review status: criteria provided, single submitter. Criteria: ACMG Guidelines, 2015. Collection method: clinical testing. Allele origin: unknown.